The following is an entry in ClinVar:

ClinVar aggregate classification (germline): Uncertain significance (1 of 4 stars; one submission).

Conditions:
Cardiovascular phenotype. Identifiers: MedGen CN230736.

Allele frequency attached by ClinVar (database versions not stated): gnomAD 0.00001; gnomAD exomes 0.00001; TOPMed 0.00001.
gnomAD v4.1: 16 of 1,613,764 alleles (0.00099%); highest among the groups gnomAD compares: African/African-American, 0.0013%; no homozygotes.

Submission:

Ambry Genetics
Classification: Uncertain significance for Cardiovascular phenotype. Last evaluated: 2024-12-31. Review status: criteria provided, single submitter. Criteria: Ambry Variant Classification Scheme 2023. Collection method: clinical testing. Allele origin: germline.
Comment: The p.G3581R variant (also known as c.10741G>A), located in coding exon 26 of the APOB gene, results from a G to A substitution at nucleotide position 10741. The glycine at codon 3581 is replaced by arginine, an amino acid with dissimilar properties. This amino acid position is conserved. In addition, the in silico prediction for this alteration is inconclusive. Since supporting evidence is limited at this time, the clinical significance of this alteration remains unclear.

NM_000384.3(APOB):c.10741G>A (p.Gly3581Arg)

Gene: APOB (apolipoprotein B; minus strand). Cytogenetic location: 2p24.1.
Variant type: single nucleotide variant.
Coding change: c.10741G>A on transcript NM_000384.3 (MANE Select); coding-DNA position 10741, G replaced by A.
Protein change: p.Gly3581Arg; replaces glycine 3581 with arginine.
Molecular consequence: missense variant.
Genome position (GRCh38, 1-based): chr2:21,006,127, C>T on the plus strand (G>A on the coding strand, the complement: APOB is on the minus strand). VCF-style: chr2-21006127-C-T. GRCh37 (hg19) VCF-style: chr2-21228999-C-T.
Other names: short protein forms G3581R.
Identifiers: ClinVar variation 1784251 (VCV001784251.3), dbSNP rs1053572786, ClinGen allele CA43495068.